The following is an entry in ClinVar:

NM_001401501.2(MUC16):c.36873G>A (p.Leu12291=)

Gene: MUC16 (mucin 16, cell surface associated; minus strand). Cytogenetic location: 19p13.2.
Variant type: single nucleotide variant.
Coding change: c.36873G>A on transcript NM_001401501.2 (MANE Select); coding-DNA position 36873, G replaced by A.
Protein change: p.Leu12291=; no amino-acid change (leucine 12291 retained).
Molecular consequence: synonymous variant.
Genome position (GRCh38, 1-based): chr19:8,915,623, C>T on the plus strand (G>A on the coding strand, the complement: MUC16 is on the minus strand). VCF-style: chr19-8915623-C-T. GRCh37 (hg19) VCF-style: chr19-9026299-C-T.
Other names: c.37299G>A, p.Leu12433= (NM_001414686.1); c.36753G>A, p.Leu12251= (NM_001414687.1); c.36687G>A, p.Leu12229= (NM_024690.2).
Identifiers: ClinVar variation 3046590 (VCV003046590.2), dbSNP rs749307182, ClinGen allele CA9165619.

ClinVar aggregate classification (germline): Likely benign (0 of 4 stars; one submission).

Conditions:
MUC16-related disorder. Also called: MUC16-related condition.

Allele frequency attached by ClinVar (database versions not stated): ExAC 0.00001; gnomAD 0.00001.

Submission:

PreventionGenetics, part of Exact Sciences
Classification: Likely benign for MUC16-related condition. Last evaluated: 2019-03-26. Review status: no assertion criteria provided. Collection method: clinical testing. Allele origin: germline.
Comment: This variant is classified as likely benign based on ACMG/AMP sequence variant interpretation guidelines (Richards et al. 2015 PMID: 25741868, with internal and published modifications).